The following is an entry in ClinVar:

NM_024422.6(DSC2):c.959A>C (p.Gln320Pro)

Gene: DSC2 (desmocollin 2; minus strand). Cytogenetic location: 18q12.1.
Variant type: single nucleotide variant.
Coding change: c.959A>C on transcript NM_024422.6 (MANE Select); coding-DNA position 959, A replaced by C.
Protein change: p.Gln320Pro; replaces glutamine 320 with proline.
Molecular consequence: missense variant.
Genome position (GRCh38, 1-based): chr18:31,083,044, T>G on the plus strand (A>C on the coding strand, the complement: DSC2 is on the minus strand). VCF-style: chr18-31083044-T-G. GRCh37 (hg19) VCF-style: chr18-28663010-T-G.
Other names: c.959A>C, p.Gln320Pro (NM_004949.5); short protein forms Q320P.
Identifiers: ClinVar variation 1299861 (VCV001299861.11), dbSNP rs1481724064, ClinGen allele CA402110986.

ClinVar aggregate classification (germline): Uncertain significance. Review status: criteria provided, multiple submitters, no conflicts (2 of 4 stars). 4 submissions from 4 submitters: Uncertain significance (2). 2 of the submissions do not count toward it. Last evaluated 2022-02-18.

Conditions:
Arrhythmogenic right ventricular dysplasia 11. Also called: Arrhythmogenic right ventricular dysplasia 11 with mild palmoplantar keratoderma and woolly hair; Arrhythmogenic Right Ventricular Dysplasia/Cardiomyopathy11; ARRHYTHMOGENIC RIGHT VENTRICULAR DYSPLASIA, FAMILIAL, 11. Identifiers: MedGen C1864850, MONDO:0012506, OMIM 610476.

Allele frequency attached by ClinVar (database versions not stated): gnomAD exomes below 0.00001; TOPMed 0.00001.

Submissions (4):

Fulgent Genetics
Classification: Uncertain significance for Arrhythmogenic right ventricular dysplasia 11. Last evaluated: 2022-02-18. Review status: criteria provided, single submitter. Criteria: ACMG Guidelines, 2015. Collection method: clinical testing. Allele origin: unknown.

Labcorp Genetics (formerly Invitae), Labcorp
Classification: Uncertain significance for Arrhythmogenic right ventricular dysplasia 11. Last evaluated: 2021-07-01. Review status: criteria provided, single submitter. Criteria: Invitae Variant Classification Sherloc (09022015). Collection method: clinical testing. Allele origin: germline.
Comment: This variant has not been reported in the literature in individuals affected with DSC2-related conditions. Algorithms developed to predict the effect of missense changes on protein structure and function are either unavailable or do not agree on the potential impact of this missense change (SIFT: "Tolerated"; PolyPhen-2: "Possibly Damaging"; Align-GVGD: "Class C0"). In summary, the available evidence is currently insufficient to determine the role of this variant in disease. Therefore, it has been classified as a Variant of Uncertain Significance. This sequence change replaces glutamine with proline at codon 320 of the DSC2 protein (p.Gln320Pro). The glutamine residue is moderately conserved and there is a moderate physicochemical difference between glutamine and proline. This variant is not present in population databases (ExAC no frequency).

Clinical Genetics, Academic Medical Center
Classification: Uncertain significance. Review status: no assertion criteria provided. Collection method: clinical testing. Allele origin: germline. Affected: yes. Study: VKGL Data-share Consensus. Not counted in ClinVar's aggregate classification.

Diagnostic Laboratory, Department of Genetics, University Medical Center Groningen
Classification: Uncertain significance. Review status: no assertion criteria provided. Collection method: clinical testing. Allele origin: germline. Affected: yes. Study: VKGL Data-share Consensus. Not counted in ClinVar's aggregate classification.